The following is an entry in ClinVar:

ClinVar aggregate classification (germline): Uncertain significance (1 of 4 stars; one submission).

gnomAD v4.1: 2 of 1,614,184 alleles (0.00012%); highest among the groups gnomAD compares: Admixed American, 0.0033%; no homozygotes.

Submission:

Labcorp Genetics (formerly Invitae), Labcorp
Classification: Uncertain significance. Last evaluated: 2024-10-08. Review status: criteria provided, single submitter. Criteria: Invitae Variant Classification Sherloc (09022015). Collection method: clinical testing. Allele origin: germline.
Comment: This sequence change replaces alanine, which is neutral and non-polar, with valine, which is neutral and non-polar, at codon 824 of the NLRP1 protein (p.Ala824Val). This variant is present in population databases (no rsID available, gnomAD 0.003%). This variant has not been reported in the literature in individuals affected with NLRP1-related conditions. An algorithm developed to predict the effect of missense changes on protein structure and function outputs the following: PolyPhen-2: "Possibly Damaging". The valine amino acid residue is found in multiple mammalian species, which suggests that this missense change does not adversely affect protein function. In summary, the available evidence is currently insufficient to determine the role of this variant in disease. Therefore, it has been classified as a Variant of Uncertain Significance.

NM_033004.4(NLRP1):c.2471C>T (p.Ala824Val)

Gene: NLRP1 (NLR family pyrin domain containing 1; minus strand). Cytogenetic location: 17p13.2.
Variant type: single nucleotide variant.
Coding change: c.2471C>T on transcript NM_033004.4 (MANE Select); coding-DNA position 2471, C replaced by T.
Protein change: p.Ala824Val; replaces alanine 824 with valine.
Molecular consequence: missense variant.
Genome position (GRCh38, 1-based): chr17:5,553,443, G>A on the plus strand (C>T on the coding strand, the complement: NLRP1 is on the minus strand). VCF-style: chr17-5553443-G-A. GRCh37 (hg19) VCF-style: chr17-5456763-G-A.
Other names: c.2471C>T, p.Ala824Val (NM_001033053.3, NM_014922.5, NM_033006.4 and 1 more transcripts); short protein forms A824V.
Identifiers: ClinVar variation 3608116 (VCV003608116.2).